The following is an entry in ClinVar:

NM_139057.4(ADAMTS17):c.1297C>T (p.Arg433Ter)

Gene: ADAMTS17 (ADAM metallopeptidase with thrombospondin type 1 motif 17; minus strand). Cytogenetic location: 15q26.3.
Variant type: single nucleotide variant.
Coding change: c.1297C>T on transcript NM_139057.4 (MANE Select); coding-DNA position 1297, C replaced by T.
Protein change: p.Arg433Ter; replaces arginine 433 with a stop codon.
Molecular consequence: nonsense.
Genome position (GRCh38, 1-based): chr15:100,155,205, G>A on the plus strand (C>T on the coding strand, the complement: ADAMTS17 is on the minus strand). VCF-style: chr15-100155205-G-A. GRCh37 (hg19) VCF-style: chr15-100695410-G-A.
Other names: short protein forms R433*.
Identifiers: ClinVar variation 4761867 (VCV004761867.3).

ClinVar aggregate classification (germline): Pathogenic/Likely pathogenic. Review status: criteria provided, multiple submitters, no conflicts (2 of 4 stars). 3 submissions from 3 submitters: Pathogenic (1); Likely pathogenic (2). Last evaluated 2025-05-08.

Conditions:
Weill-Marchesani 4 syndrome, recessive. Also called: Weill-Marchesani syndrome 4. Identifiers: Orphanet 363992, MedGen C2750787, MONDO:0013176, OMIM 613195.
ADAMTS17-related disorder. Also called: ADAMTS17-related condition.

Submissions (3):

First Genomix Gene Laboratory, Genetic Diagnostics Department
Classification: Likely pathogenic for Weill-Marchesani 4 syndrome, recessive. Last evaluated: 2025-05-08. Review status: criteria provided, single submitter. Criteria: ACMG Guidelines, 2015. Collection method: clinical testing. Allele origin: germline. Inheritance: Autosomal recessive inheritance. Affected: no. Observed: 1 variant allele.

Labcorp Genetics (formerly Invitae), Labcorp
Classification: Pathogenic. Last evaluated: 2025-02-10. Review status: criteria provided, single submitter. Criteria: Invitae Variant Classification Sherloc (09022015). Collection method: clinical testing. Allele origin: germline.
Comment: This sequence change creates a premature translational stop signal (p.Arg433*) in the ADAMTS17 gene. It is expected to result in an absent or disrupted protein product. Loss-of-function variants in ADAMTS17 are known to be pathogenic (PMID: 19836009, 24940034). This variant is present in population databases (no rsID available, gnomAD 0.01%). This premature translational stop signal has been observed in individual(s) with Weill–Marchesani syndrome (PMID: 37506754). Algorithms developed to predict the effect of sequence changes on RNA splicing suggest that this variant may disrupt the consensus splice site. For these reasons, this variant has been classified as Pathogenic.

Blueprint Genetics
Classification: Likely pathogenic for ADAMTS17-related disorders. Last evaluated: 2024-04-01. Review status: criteria provided, single submitter. Criteria: ACMG Guidelines, 2015. Collection method: clinical testing. Allele origin: germline. Affected: yes. Observed: 2 variant alleles.

Literature cited by the submitters: PubMed 19836009 (cited by Labcorp Genetics (formerly Invitae), Labcorp); PubMed 24940034 (cited by Labcorp Genetics (formerly Invitae), Labcorp); PubMed 37506754 (cited by Labcorp Genetics (formerly Invitae), Labcorp).